The following is an entry in ClinVar:

NM_003611.3(OFD1):c.762A>C (p.Gln254His)

Gene: OFD1 (OFD1 centriole and centriolar satellite protein; plus strand). Cytogenetic location: Xp22.2.
Variant type: single nucleotide variant.
Coding change: c.762A>C on transcript NM_003611.3 (MANE Select); coding-DNA position 762, A replaced by C.
Protein change: p.Gln254His; replaces glutamine 254 with histidine.
Molecular consequence: missense variant.
Genome position (GRCh38, 1-based): chrX:13,746,887, A>C. VCF-style: chrX-13746887-A-C. GRCh37 (hg19) VCF-style: chrX-13765006-A-C.
Other names: c.762A>C, p.Gln254His (NM_001330209.2); c.342A>C, p.Gln114His (NM_001330210.2); short protein forms Q114H, Q254H.
Identifiers: ClinVar variation 2933629 (VCV002933629.4), dbSNP rs775148893, ClinGen allele CA10351680.

ClinVar aggregate classification (germline): Uncertain significance. Review status: criteria provided, multiple submitters, no conflicts (2 of 4 stars). 2 submissions from 2 submitters: Uncertain significance (2). Last evaluated 2024-05-24.

Conditions:
Joubert syndrome. Also called: CEREBELLOPARENCHYMAL DISORDER IV; JOUBERT-BOLTSHAUSER SYNDROME; Familial aplasia of the vermis. Identifiers: Orphanet 475, MedGen C5979921, MONDO:0018772.
Orofaciodigital syndrome I (OFD1). Also called: OFDS I; Papillon-Leage and Psaume Syndrome; Oral-Facial-Digital Syndrome Type I. Identifiers: Orphanet 2750, MedGen C1510460, MONDO:0010702, OMIM 311200.
Simpson-Golabi-Behmel syndrome type 2. Identifiers: Orphanet 79022, MedGen C1846175, MONDO:0010265, OMIM 300209.
Joubert syndrome 10 (JBTS10). Identifiers: Orphanet 2754, MedGen C2749019, MONDO:0010431, OMIM 300804.
Retinitis pigmentosa 23 (RP23). Identifiers: Orphanet 791, MedGen C1419610, MONDO:0010320, OMIM 300424.

Allele frequency attached by ClinVar (database versions not stated): gnomAD exomes 0.00001; TOPMed 0.00001; ExAC 0.00002.
gnomAD v4.1: 3 of 1,211,266 alleles (0.00025%); highest among the groups gnomAD compares: African/African-American, 0.0035%; no homozygotes.

Submissions (2):

Fulgent Genetics
Classification: Uncertain significance for Simpson-Golabi-Behmel syndrome type 2; Retinitis pigmentosa 23; Joubert syndrome 10; Orofaciodigital syndrome I. Last evaluated: 2024-05-24. Review status: criteria provided, single submitter. Criteria: ACMG Guidelines, 2015. Collection method: clinical testing. Allele origin: germline.

Labcorp Genetics (formerly Invitae), Labcorp
Classification: Uncertain significance for Orofaciodigital syndrome I; Joubert syndrome. Last evaluated: 2023-06-10. Review status: criteria provided, single submitter. Criteria: Invitae Variant Classification Sherloc (09022015). Collection method: clinical testing. Allele origin: germline.
Comment: In summary, the available evidence is currently insufficient to determine the role of this variant in disease. Therefore, it has been classified as a Variant of Uncertain Significance. Advanced modeling of protein sequence and biophysical properties (such as structural, functional, and spatial information, amino acid conservation, physicochemical variation, residue mobility, and thermodynamic stability) performed at Invitae indicates that this missense variant is not expected to disrupt OFD1 protein function. This variant has not been reported in the literature in individuals affected with OFD1-related conditions. This variant is present in population databases (rs775148893, gnomAD 0.02%). This sequence change replaces glutamine, which is neutral and polar, with histidine, which is basic and polar, at codon 254 of the OFD1 protein (p.Gln254His).